The following is an entry in ClinVar:

ClinVar aggregate classification (germline): Uncertain significance. Review status: criteria provided, multiple submitters, no conflicts (2 of 4 stars). 2 submissions from 2 submitters: Uncertain significance (2). Last evaluated 2024-04-10.

Allele frequency attached by ClinVar (database versions not stated): gnomAD exomes below 0.00001; gnomAD 0.00001.

Submissions (2):

GeneDx
Classification: Uncertain significance. Last evaluated: 2024-04-10. Review status: criteria provided, single submitter. Criteria: GeneDx Variant Classification Process June 2021. Collection method: clinical testing. Allele origin: germline. Affected: yes.
Comment: In silico analysis supports that this missense variant has a deleterious effect on protein structure/function; Has not been previously published as pathogenic or benign to our knowledge; This variant is associated with the following publications: (PMID: 32494638)

Labcorp Genetics (formerly Invitae), Labcorp
Classification: Uncertain significance. Last evaluated: 2024-02-26. Review status: criteria provided, single submitter. Criteria: Invitae Variant Classification Sherloc (09022015). Collection method: clinical testing. Allele origin: germline.
Comment: This sequence change replaces arginine, which is basic and polar, with glutamine, which is neutral and polar, at codon 143 of the NALCN protein (p.Arg143Gln). This variant is present in population databases (no rsID available, gnomAD 0.006%). This variant has not been reported in the literature in individuals affected with NALCN-related conditions. ClinVar contains an entry for this variant (Variation ID: 1678850). Advanced modeling of protein sequence and biophysical properties (such as structural, functional, and spatial information, amino acid conservation, physicochemical variation, residue mobility, and thermodynamic stability) performed at Invitae indicates that this missense variant is expected to disrupt NALCN protein function with a positive predictive value of 80%. In summary, the available evidence is currently insufficient to determine the role of this variant in disease. Therefore, it has been classified as a Variant of Uncertain Significance.

NM_052867.4(NALCN):c.428G>A (p.Arg143Gln)

Gene: NALCN (sodium leak channel, non-selective; minus strand). Cytogenetic location: 13q33.1.
Variant type: single nucleotide variant.
Coding change: c.428G>A on transcript NM_052867.4 (MANE Select); coding-DNA position 428, G replaced by A.
Protein change: p.Arg143Gln; replaces arginine 143 with glutamine.
Molecular consequence: missense variant.
Genome position (GRCh38, 1-based): chr13:101,377,004, C>T on the plus strand (G>A on the coding strand, the complement: NALCN is on the minus strand). VCF-style: chr13-101377004-C-T. GRCh37 (hg19) VCF-style: chr13-102029355-C-T.
Other names: c.428G>A, p.Arg143Gln (NM_001350748.2, NM_001350749.2, NM_001350750.2 and 1 more transcripts); short protein forms R143Q.
Identifiers: ClinVar variation 1678850 (VCV001678850.9), dbSNP rs1315315157, ClinGen allele CA388705731.